The following is an entry in ClinVar:

ClinVar aggregate classification (germline): Uncertain significance. Review status: criteria provided, multiple submitters, no conflicts (2 of 4 stars). 2 submissions from 2 submitters: Uncertain significance (2). Last evaluated 2025-06-09.

Conditions:
Inborn genetic diseases. Identifiers: MedGen C0950123, MeSH D030342.

Submissions (2):

Ambry Genetics
Classification: Uncertain significance for Inborn genetic diseases. Last evaluated: 2025-06-09. Review status: criteria provided, single submitter. Criteria: Ambry Variant Classification Scheme 2023. Collection method: clinical testing. Allele origin: germline.
Comment: The p.Q1149H variant (also known as c.3447A>C), located in coding exon 24 of the ANKRD26 gene, results from an A to C substitution at nucleotide position 3447. The glutamine at codon 1149 is replaced by histidine, an amino acid with highly similar properties. This amino acid position is conserved. In addition, this alteration is predicted to be tolerated by in silico analysis. Based on the available evidence, the clinical significance of this variant remains unclear.

Labcorp Genetics (formerly Invitae), Labcorp
Classification: Uncertain significance. Last evaluated: 2024-02-08. Review status: criteria provided, single submitter. Criteria: Invitae Variant Classification Sherloc (09022015). Collection method: clinical testing. Allele origin: germline.
Comment: This sequence change replaces glutamine, which is neutral and polar, with histidine, which is basic and polar, at codon 1149 of the ANKRD26 protein (p.Gln1149His). This variant is not present in population databases (gnomAD no frequency). This variant has not been reported in the literature in individuals affected with ANKRD26-related conditions. An algorithm developed to predict the effect of missense changes on protein structure and function (PolyPhen-2) suggests that this variant is likely to be disruptive. In summary, the available evidence is currently insufficient to determine the role of this variant in disease. Therefore, it has been classified as a Variant of Uncertain Significance.

NM_014915.3(ANKRD26):c.3447A>C (p.Gln1149His)

Gene: ANKRD26 (ankyrin repeat domain 26; minus strand). Cytogenetic location: 10p12.1.
Variant type: single nucleotide variant.
Coding change: c.3447A>C on transcript NM_014915.3 (MANE Select); coding-DNA position 3447, A replaced by C.
Protein change: p.Gln1149His; replaces glutamine 1149 with histidine.
Molecular consequence: missense variant.
Genome position (GRCh38, 1-based): chr10:27,035,003, T>G on the plus strand (A>C on the coding strand, the complement: ANKRD26 is on the minus strand). VCF-style: chr10-27035003-T-G. GRCh37 (hg19) VCF-style: chr10-27323932-T-G.
Other names: c.3444A>C, p.Gln1148His (NM_001256053.2); short protein forms Q1148H, Q1149H.
Identifiers: ClinVar variation 2979480 (VCV002979480.4), dbSNP rs1426031873, ClinGen allele CA376362905.